The following is an entry in ClinVar:

ClinVar aggregate classification (germline): Likely benign. Review status: criteria provided, multiple submitters, no conflicts (2 of 4 stars). 3 submissions from 3 submitters: Likely benign (2). 1 of the submissions does not count toward it. Last evaluated 2024-11-10.

Conditions:
BDP1-related disorder. Also called: BDP1-related condition.

Allele frequency attached by ClinVar (database versions not stated): 1000 Genomes Project 30x 0.00078; 1000 Genomes Project 0.00080; ESP Exome Variant Server 0.00323.
gnomAD v4.1: 5,340 of 1,613,498 alleles (0.33%); highest among the groups gnomAD compares: Non-Finnish European, 0.42%; 12 homozygotes.

Submissions (3):

Blueprint Genetics
Classification: Likely benign. Last evaluated: 2024-11-10. Review status: criteria provided, single submitter. Criteria: ACMG Guidelines, 2015. Collection method: clinical testing. Allele origin: germline.

GeneDx
Classification: Likely benign. Last evaluated: 2021-01-26. Review status: criteria provided, single submitter. Criteria: GeneDx Variant Classification Process June 2021. Collection method: clinical testing. Allele origin: germline. Affected: yes.

PreventionGenetics, part of Exact Sciences
Classification: Likely benign for BDP1-related condition. Last evaluated: 2020-07-01. Review status: no assertion criteria provided. Collection method: clinical testing. Allele origin: germline. Not counted in ClinVar's aggregate classification.
Comment: This variant is classified as likely benign based on ACMG/AMP sequence variant interpretation guidelines (Richards et al. 2015 PMID: 25741868, with internal and published modifications).

NM_018429.3(BDP1):c.3364G>A (p.Gly1122Arg)

Gene: BDP1 (BDP1 general transcription factor IIIB subunit; plus strand). Cytogenetic location: 5q13.2.
Variant type: single nucleotide variant.
Coding change: c.3364G>A on transcript NM_018429.3 (MANE Select); coding-DNA position 3364, G replaced by A.
Protein change: p.Gly1122Arg; replaces glycine 1122 with arginine.
Molecular consequence: missense variant.
Genome position (GRCh38, 1-based): chr5:71,510,456, G>A. VCF-style: chr5-71510456-G-A. GRCh37 (hg19) VCF-style: chr5-70806283-G-A.
Other names: short protein forms G1122R.
Identifiers: ClinVar variation 1318238 (VCV001318238.5), dbSNP rs73775118, ClinGen allele CA3296454.